The following is an entry in ClinVar:

ClinVar aggregate classification (germline): Benign/Likely benign. Review status: criteria provided, multiple submitters, no conflicts (2 of 4 stars). 8 submissions from 8 submitters: Benign (4); Likely benign (4). Last evaluated 2026-02-03.

Conditions:
Hereditary cancer-predisposing syndrome. Also called: Neoplastic Syndromes, Hereditary; Tumor predisposition; Hereditary Cancer Syndrome; Hereditary neoplastic syndrome. Identifiers: Orphanet 140162, MedGen C0027672, MeSH D009386, MONDO:0015356.
Prostate cancer, hereditary, 9 (HPC9). Identifiers: Orphanet 1331, MedGen C1970250, MONDO:0012597, OMIM 610997.

Allele frequency attached by ClinVar (database versions not stated): gnomAD exomes 0.00003 and 0.00008; ExAC 0.00010; 1000 Genomes Project 30x 0.00016; gnomAD 0.00019 and 0.00022; 1000 Genomes Project 0.00020; ESP Exome Variant Server 0.00023; TOPMed 0.00030.

Submissions (8):

Labcorp Genetics (formerly Invitae), Labcorp
Classification: Benign. Last evaluated: 2026-02-03. Review status: criteria provided, single submitter. Criteria: Invitae Variant Classification Sherloc (09022015). Collection method: clinical testing. Allele origin: germline.

Quest Diagnostics Nichols Institute San Juan Capistrano
Classification: Benign. Last evaluated: 2025-08-08. Review status: criteria provided, single submitter. Criteria: Quest Diagnostics criteria. Collection method: clinical testing. Allele origin: unknown.

Myriad Genetics, Inc.
Classification: Benign for Prostate cancer, hereditary, 9. Last evaluated: 2024-10-30. Review status: criteria provided, single submitter. Criteria: Myriad Autosomal Dominant, Autosomal Recessive and X-Linked Classification Criteria (2023). Collection method: clinical testing. Allele origin: unknown.
Comment: This variant is considered benign. This variant is a silent/synonymous amino acid change and it is not expected to impact splicing.

KCCC/NGS Laboratory, Kuwait Cancer Control Center
Classification: Likely benign for Prostate cancer, hereditary, 9. Last evaluated: 2023-07-07. Review status: criteria provided, single submitter. Criteria: ACMG Guidelines, 2015. Collection method: clinical testing. Allele origin: germline. Affected: yes.

Women's Health and Genetics/Laboratory Corporation of America, LabCorp
Classification: Benign. Last evaluated: 2022-05-05. Review status: criteria provided, single submitter. Criteria: LabCorp Variant Classification Summary - May 2015. Collection method: clinical testing. Allele origin: germline.

Department of Pathology and Laboratory Medicine, Sinai Health System
Classification: Likely benign for Prostate cancer, hereditary, 9. Last evaluated: 2021-10-15. Review status: criteria provided, single submitter. Criteria: ACMG Guidelines, 2015. Collection method: clinical testing. Allele origin: germline. Affected: no.

GeneDx
Classification: Likely benign. Last evaluated: 2021-04-15. Review status: criteria provided, single submitter. Criteria: GeneDx Variant Classification Process June 2021. Collection method: clinical testing. Allele origin: germline. Affected: yes.

Ambry Genetics
Classification: Likely benign for Hereditary cancer-predisposing syndrome. Last evaluated: 2017-03-22. Review status: criteria provided, single submitter. Criteria: Ambry Variant Classification Scheme 2023. Collection method: clinical testing. Allele origin: germline.

NM_006361.6(HOXB13):c.567C>T (p.Asn189=)

Gene: HOXB13 (homeobox B13; minus strand). Cytogenetic location: 17q21.32.
Variant type: single nucleotide variant.
Coding change: c.567C>T on transcript NM_006361.6 (MANE Select); coding-DNA position 567, C replaced by T.
Protein change: p.Asn189=; no amino-acid change (asparagine 189 retained).
Molecular consequence: synonymous variant.
Genome position (GRCh38, 1-based): chr17:48,728,027, G>A on the plus strand (C>T on the coding strand, the complement: HOXB13 is on the minus strand). VCF-style: chr17-48728027-G-A. GRCh37 (hg19) VCF-style: chr17-46805389-G-A.
Identifiers: ClinVar variation 483492 (VCV000483492.20), dbSNP rs143945091, ClinGen allele CA8633968.